The following is an entry in ClinVar:

ClinVar aggregate classification (germline): Uncertain significance (1 of 4 stars; one submission).

Conditions:
Inborn genetic diseases. Identifiers: MedGen C0950123, MeSH D030342.

Submission:

Ambry Genetics
Classification: Uncertain significance for Inborn genetic diseases. Last evaluated: 2025-12-21. Review status: criteria provided, single submitter. Criteria: Ambry Variant Classification Scheme 2023. Collection method: clinical testing. Allele origin: germline.
Comment: The p.N1956I variant (also known as c.5867A>T), located in coding exon 22 of the FANCM gene, results from an A to T substitution at nucleotide position 5867. The asparagine at codon 1956 is replaced by isoleucine, an amino acid with dissimilar properties. This amino acid position is conserved. In addition, this alteration is predicted to be tolerated by in silico analysis. Based on the available evidence, the clinical significance of this variant remains unclear.

NM_020937.4(FANCM):c.5867A>T (p.Asn1956Ile)

Gene: FANCM (FA complementation group M; plus strand). Cytogenetic location: 14q21.2.
Variant type: single nucleotide variant.
Coding change: c.5867A>T on transcript NM_020937.4 (MANE Select); coding-DNA position 5867, A replaced by T.
Protein change: p.Asn1956Ile; replaces asparagine 1956 with isoleucine.
Molecular consequence: missense variant.
Genome position (GRCh38, 1-based): chr14:45,198,794, A>T. VCF-style: chr14-45198794-A-T. GRCh37 (hg19) VCF-style: chr14-45667997-A-T.
Other names: c.5789A>T, p.Asn1930Ile (NM_001308133.2); short protein forms N1956I, N1930I.
Identifiers: ClinVar variation 4841737 (VCV004841737.1).